The following is an entry in ClinVar:

NM_000548.5(TSC2):c.4346C>A (p.Ser1449Tyr)

Gene: TSC2 (TSC complex subunit 2; plus strand). Cytogenetic location: 16p13.3.
Variant type: single nucleotide variant.
Coding change: c.4346C>A on transcript NM_000548.5 (MANE Select); coding-DNA position 4346, C replaced by A.
Protein change: p.Ser1449Tyr; replaces serine 1449 with tyrosine.
Molecular consequence: missense variant.
Genome position (GRCh38, 1-based): chr16:2,084,568, C>A. VCF-style: chr16-2084568-C-A. GRCh37 (hg19) VCF-style: chr16-2134569-C-A.
Other names: c.4145C>A, p.Ser1382Tyr (NM_001077183.3); c.4277C>A, p.Ser1426Tyr (NM_001114382.3); c.4037C>A, p.Ser1346Tyr (NM_001318827.2); c.4001C>A, p.Ser1334Tyr (NM_001318829.2); c.3614C>A, p.Ser1205Tyr (NM_001318831.2); c.4178C>A, p.Ser1393Tyr (NM_001318832.2); c.4148C>A, p.Ser1383Tyr (NM_001363528.2); c.4214C>A, p.Ser1405Tyr (NM_001370404.1); and 26 more; short protein forms S1182Y, S1226Y, S1249Y, S1345Y, S1376Y, S1378Y, S1382Y, S1389Y.
Identifiers: ClinVar variation 1739887 (VCV001739887.6), dbSNP rs759004251, ClinGen allele CA394301536.

ClinVar aggregate classification (germline): Conflicting classifications of pathogenicity. Review status: criteria provided, conflicting classifications (1 of 4 stars). 2 submissions from 2 submitters: Uncertain significance (1); Benign (1). Last evaluated 2024-04-24.

Conditions:
Hereditary cancer-predisposing syndrome. Also called: Neoplastic Syndromes, Hereditary; Tumor predisposition; Hereditary Cancer Syndrome; Hereditary neoplastic syndrome. Identifiers: Orphanet 140162, MedGen C0027672, MeSH D009386, MONDO:0015356.
Tuberous sclerosis 2 (TSC2). Identifiers: Orphanet 805, MedGen C1860707, MONDO:0013199, OMIM 613254.

gnomAD v4.1: 1 of 1,607,620 alleles (0.000062%); highest among the groups gnomAD compares: Admixed American, 0.0017%; no homozygotes.

Submissions (2):

Labcorp Genetics (formerly Invitae), Labcorp
Classification: Benign for Tuberous sclerosis 2. Last evaluated: 2024-04-24. Review status: criteria provided, single submitter. Criteria: Invitae Variant Classification Sherloc (09022015). Collection method: clinical testing. Allele origin: germline.

Ambry Genetics
Classification: Uncertain significance for Hereditary cancer-predisposing syndrome. Last evaluated: 2023-03-31. Review status: criteria provided, single submitter. Criteria: Ambry Variant Classification Scheme 2023. Collection method: clinical testing. Allele origin: germline.
Comment: The p.S1449Y variant (also known as c.4346C>A), located in coding exon 33 of the TSC2 gene, results from a C to A substitution at nucleotide position 4346. The serine at codon 1449 is replaced by tyrosine, an amino acid with dissimilar properties. This amino acid position is not well conserved in available vertebrate species. In addition, the in silico prediction for this alteration is inconclusive. Since supporting evidence is limited at this time, the clinical significance of this alteration remains unclear.